The following is an entry in ClinVar:

ClinVar aggregate classification (germline): Likely pathogenic (1 of 4 stars; one submission).

Conditions:
Long QT syndrome 1 (LQT1). Identifiers: Orphanet 101016, Orphanet 768, MedGen C4551647, MONDO:0100316, OMIM 192500, MONDO:0008646.

Submission:

Petrovsky National Research Centre of Surgery, The Federal Agency for Scientific Organizations
Classification: Likely pathogenic for Long QT syndrome 1. Review status: criteria provided, single submitter. Criteria: ACMG Guidelines, 2015. Collection method: clinical testing. Allele origin: germline. Affected: yes.
Comment: This variant has not been reported in any study to our knowledge. In accordance with ACMG (2015) criteria this variant is classified as Likely Pathogenic (LP) with following criteria selected: PVS1, PM2. This variant is in The Genome Aggregation Database (gnomAD) v4.1.0 with total MAF 0.000002649 (Date of access with 28-10-2025).

NM_000218.3(KCNQ1):c.77del (p.Gly26fs)

Gene: KCNQ1 (potassium voltage-gated channel subfamily Q member 1; plus strand). Cytogenetic location: 11p15.5.
Variant type: Deletion.
Coding change: c.77del on transcript NM_000218.3 (MANE Select); coding-DNA position 77, one base deleted (G; older notation c.77delG).
Protein change: p.Gly26fs; shifts the reading frame from glycine 26.
Molecular consequence: frameshift variant. On other transcripts: 5 prime UTR variant (1).
Genome position (GRCh38, 1-based): chr11:2,445,175, G deleted; the last of 4 consecutive G bases (chr11:2,445,172-2,445,175); deleting any one gives the same sequence. VCF-style (leftmost placement, unchanged base first): chr11-2445171-CG-C. GRCh37 (hg19) VCF-style: chr11-2466401-CG-C.
Other names: c.77del, p.Gly26fs (NM_001406836.1, NM_001406838.1); c.-286del (NM_001406837.1); short protein forms G26fs.
Identifiers: ClinVar variation 4849907 (VCV004849907.1).
Genomic context (GRCh38, chr11:2,445,171, plus strand): 5'-TCCTCCCCGCCCAGGGCCGAGAGGAAGCGCTGGGGTTGGGGCCGCCTGCCAGGCGCCCGG[CG>C]GGGCAGCGCGGGCCTGGCCAAGAAGTGCCCCTTCTCGCTGGAGCTGGCGGAGGGCGGCCC-3'